The following is an entry in ClinVar:

ClinVar aggregate classification (germline): Uncertain significance (1 of 4 stars; one submission).

Conditions:
Familial hemophagocytic lymphohistiocytosis 3 (FHL3). Also called: UNC13D-Related Familial Hemophagocytic Lymphohistiocytosis (UNC13D-fHLH). Identifiers: Orphanet 540, MedGen C1837174, MONDO:0012146, OMIM 608898.

Submission:

Labcorp Genetics (formerly Invitae), Labcorp
Classification: Uncertain significance for Familial hemophagocytic lymphohistiocytosis 3. Last evaluated: 2022-08-15. Review status: criteria provided, single submitter. Criteria: Invitae Variant Classification Sherloc (09022015). Collection method: clinical testing. Allele origin: germline.
Comment: Algorithms developed to predict the effect of missense changes on protein structure and function are either unavailable or do not agree on the potential impact of this missense change (SIFT: "Not Available"; PolyPhen-2: "Benign"; Align-GVGD: "Not Available"). In summary, the available evidence is currently insufficient to determine the role of this variant in disease. Therefore, it has been classified as a Variant of Uncertain Significance. ClinVar contains an entry for this variant (Variation ID: 1492184). This variant has not been reported in the literature in individuals affected with UNC13D-related conditions. This variant is not present in population databases (gnomAD no frequency). This sequence change replaces isoleucine, which is neutral and non-polar, with methionine, which is neutral and non-polar, at codon 855 of the UNC13D protein (p.Ile855Met).

NM_199242.3(UNC13D):c.2565C>G (p.Ile855Met)

Gene: UNC13D (unc-13 homolog D; minus strand). Cytogenetic location: 17q25.1.
Variant type: single nucleotide variant.
Coding change: c.2565C>G on transcript NM_199242.3 (MANE Select); coding-DNA position 2565, C replaced by G.
Protein change: p.Ile855Met; replaces isoleucine 855 with methionine.
Molecular consequence: missense variant.
Genome position (GRCh38, 1-based): chr17:75,831,158, G>C on the plus strand (C>G on the coding strand, the complement: UNC13D is on the minus strand). VCF-style: chr17-75831158-G-C. GRCh37 (hg19) VCF-style: chr17-73827239-G-C.
Other names: short protein forms I855M.
Identifiers: ClinVar variation 1492184 (VCV001492184.8), dbSNP rs1411846980, ClinGen allele CA401081578.